The following is an entry in ClinVar:

ClinVar aggregate classification (germline): Uncertain significance (1 of 4 stars; one submission).

Allele frequency attached by ClinVar (database versions not stated): ESP Exome Variant Server 0.00008.
gnomAD v4.1: 7 of 1,614,154 alleles (0.00043%); highest among the groups gnomAD compares: African/African-American, 0.0093%; no homozygotes.

Submission:

Labcorp Genetics (formerly Invitae), Labcorp
Classification: Uncertain significance. Last evaluated: 2022-01-27. Review status: criteria provided, single submitter. Criteria: Invitae Variant Classification Sherloc (09022015). Collection method: clinical testing. Allele origin: germline.
Comment: Algorithms developed to predict the effect of missense changes on protein structure and function output the following: SIFT: "Tolerated"; PolyPhen-2: "Benign"; Align-GVGD: "Class C0". The histidine amino acid residue is found in multiple mammalian species, which suggests that this missense change does not adversely affect protein function. This variant has not been reported in the literature in individuals affected with TRAIP-related conditions. This variant is present in population databases (rs144112402, gnomAD 0.03%). This sequence change replaces glutamine, which is neutral and polar, with histidine, which is basic and polar, at codon 448 of the TRAIP protein (p.Gln448His). In summary, the available evidence is currently insufficient to determine the role of this variant in disease. Therefore, it has been classified as a Variant of Uncertain Significance.

NM_005879.3(TRAIP):c.1344G>T (p.Gln448His)

Gene: TRAIP (TRAF interacting protein; minus strand). Cytogenetic location: 3p21.31.
Variant type: single nucleotide variant.
Coding change: c.1344G>T on transcript NM_005879.3 (MANE Select); coding-DNA position 1344, G replaced by T.
Protein change: p.Gln448His; replaces glutamine 448 with histidine.
Molecular consequence: missense variant.
Genome position (GRCh38, 1-based): chr3:49,829,169, C>A on the plus strand (G>T on the coding strand, the complement: TRAIP is on the minus strand). VCF-style: chr3-49829169-C-A. GRCh37 (hg19) VCF-style: chr3-49866602-C-A.
Other names: short protein forms Q448H.
Identifiers: ClinVar variation 2048471 (VCV002048471.4), dbSNP rs144112402, ClinGen allele CA2407507.